The following is an entry in ClinVar:

ClinVar aggregate classification (germline): Uncertain significance (1 of 4 stars; one submission).

Allele frequency attached by ClinVar (database versions not stated): TOPMed 0.00001; gnomAD 0.00004; 1000 Genomes Project 30x 0.00016; 1000 Genomes Project 0.00020.
gnomAD v4.1: 29 of 1,613,254 alleles (0.0018%); highest among the groups gnomAD compares: East Asian, 0.0022%; no homozygotes.

Submission:

Labcorp Genetics (formerly Invitae), Labcorp
Classification: Uncertain significance. Last evaluated: 2022-04-22. Review status: criteria provided, single submitter. Criteria: Invitae Variant Classification Sherloc (09022015). Collection method: clinical testing. Allele origin: germline.
Comment: In summary, the available evidence is currently insufficient to determine the role of this variant in disease. Therefore, it has been classified as a Variant of Uncertain Significance. This sequence change replaces tyrosine, which is neutral and polar, with cysteine, which is neutral and slightly polar, at codon 890 of the LAMA1 protein (p.Tyr890Cys). This variant is present in population databases (rs572059324, gnomAD 0.03%). This variant has not been reported in the literature in individuals affected with LAMA1-related conditions. Algorithms developed to predict the effect of missense changes on protein structure and function are either unavailable or do not agree on the potential impact of this missense change (SIFT: "Deleterious"; PolyPhen-2: "Probably Damaging"; Align-GVGD: "Class C0").

NM_005559.4(LAMA1):c.2669A>G (p.Tyr890Cys)

Gene: LAMA1 (laminin subunit alpha 1; minus strand). Cytogenetic location: 18p11.31.
Variant type: single nucleotide variant.
Coding change: c.2669A>G on transcript NM_005559.4 (MANE Select); coding-DNA position 2669, A replaced by G.
Protein change: p.Tyr890Cys; replaces tyrosine 890 with cysteine.
Molecular consequence: missense variant.
Genome position (GRCh38, 1-based): chr18:7,023,196, T>C on the plus strand (A>G on the coding strand, the complement: LAMA1 is on the minus strand). VCF-style: chr18-7023196-T-C. GRCh37 (hg19) VCF-style: chr18-7023195-T-C.
Other names: short protein forms Y890C.
Identifiers: ClinVar variation 1940069 (VCV001940069.5), dbSNP rs572059324, ClinGen allele CA8882579.